The following is an entry in ClinVar:

NM_001005388.3(NFASC):c.2918C>T (p.Thr973Ile)

Gene: NFASC (neurofascin; plus strand). Cytogenetic location: 1q32.1.
Variant type: single nucleotide variant.
Coding change: c.2918C>T on transcript NM_001005388.3 (MANE Select); coding-DNA position 2918, C replaced by T.
Protein change: p.Thr973Ile; replaces threonine 973 with isoleucine.
Molecular consequence: missense variant. On other transcripts: intron variant (4).
Genome position (GRCh38, 1-based): chr1:204,997,305, C>T. VCF-style: chr1-204997305-C-T. GRCh37 (hg19) VCF-style: chr1-204966433-C-T.
Other names: c.3239C>T, p.Thr1080Ile (NM_001378329.1); c.3091+5999C>T (NM_001160332.2); c.3076+8499C>T (NM_015090.4); c.2755+8499C>T (NM_001365986.1); c.3136+5999C>T (NM_001160331.2); short protein forms T1080I, T973I.
Identifiers: ClinVar variation 1029990 (VCV001029990.1), dbSNP rs1263330634, ClinGen allele CA344378891.

ClinVar aggregate classification (germline): Uncertain significance (1 of 4 stars; one submission).

Conditions:
Neurodevelopmental disorder with central and peripheral motor dysfunction. Identifiers: MedGen C5193049, MONDO:0032698, OMIM 618356.

Allele frequency attached by ClinVar (database versions not stated): gnomAD exomes 0.00001.
gnomAD v4.1: 3 of 1,597,090 alleles (0.00019%); highest among the groups gnomAD compares: Admixed American, 0.0017%; no homozygotes.

Submission:

Baylor Genetics
Classification: Uncertain significance for Neurodevelopmental disorder with central and peripheral motor dysfunction. Last evaluated: 2019-07-23. Review status: criteria provided, single submitter. Criteria: ACMG Guidelines, 2015. Collection method: clinical testing. Allele origin: unknown. Affected: yes.
Comment: This variant was determined to be of uncertain significance according to ACMG Guidelines, 2015 [PMID:25741868].